The following is an entry in ClinVar:

NM_004168.4(SDHA):c.1398A>G (p.Ala466=)

Gene: SDHA (succinate dehydrogenase complex flavoprotein subunit A; plus strand). Cytogenetic location: 5p15.33.
Variant type: single nucleotide variant.
Coding change: c.1398A>G on transcript NM_004168.4 (MANE Select); coding-DNA position 1398, A replaced by G.
Protein change: p.Ala466=; no amino-acid change (alanine 466 retained).
Molecular consequence: synonymous variant.
Genome position (GRCh38, 1-based): chr5:236,565, A>G. VCF-style: chr5-236565-A-G. GRCh37 (hg19) VCF-style: chr5-236680-A-G.
Other names: c.1254A>G, p.Ala418= (NM_001294332.2); c.1398A>G, p.Ala466= (NM_001330758.2).
Identifiers: ClinVar variation 239645 (VCV000239645.12), dbSNP rs878854626, ClinGen allele CA10582428.

ClinVar aggregate classification (germline): Benign/Likely benign. Review status: criteria provided, multiple submitters, no conflicts (2 of 4 stars). 3 submissions from 3 submitters: Benign (1); Likely benign (2). Last evaluated 2025-12-16.

Conditions:
Mitochondrial complex II deficiency, nuclear type 1. Also called: SUCCINATE CoQ REDUCTASE DEFICIENCY. Identifiers: Orphanet 3208, MedGen C5700310, MONDO:0100294, OMIM 252011.
Pheochromocytoma/paraganglioma syndrome 5. Also called: Paragangliomas 5; SDHA-Related Hereditary Paraganglioma-Pheochromocytoma Syndrome. Identifiers: Orphanet 29072, MedGen C3279992, MONDO:0013602, OMIM 614165.
Hereditary cancer-predisposing syndrome. Also called: Hereditary Cancer Syndrome; Hereditary neoplastic syndrome; Neoplastic Syndromes, Hereditary; Tumor predisposition. Identifiers: Orphanet 140162, MedGen C0027672, MeSH D009386, MONDO:0015356.

Allele frequency attached by ClinVar (database versions not stated): gnomAD 0.00001; TOPMed 0.00002.
gnomAD v4.1: 2 of 1,613,916 alleles (0.00012%); highest among the groups gnomAD compares: Admixed American, 0.0017%; no homozygotes.

Submissions (3):

Labcorp Genetics (formerly Invitae), Labcorp
Classification: Likely benign for Pheochromocytoma/paraganglioma syndrome 5; Mitochondrial complex II deficiency, nuclear type 1. Last evaluated: 2025-12-16. Review status: criteria provided, single submitter. Criteria: Invitae Variant Classification Sherloc (09022015). Collection method: clinical testing. Allele origin: germline.

Myriad Genetics, Inc.
Classification: Benign for Pheochromocytoma/paraganglioma syndrome 5. Last evaluated: 2025-03-10. Review status: criteria provided, single submitter. Criteria: Myriad Autosomal Dominant, Autosomal Recessive and X-Linked Classification Criteria (2023). Collection method: clinical testing. Allele origin: unknown.
Comment: This variant is considered benign. This variant is a silent/synonymous amino acid change and it is not expected to impact splicing.

Ambry Genetics
Classification: Likely benign for Hereditary cancer-predisposing syndrome. Last evaluated: 2022-02-21. Review status: criteria provided, single submitter. Criteria: Ambry Variant Classification Scheme 2023. Collection method: clinical testing. Allele origin: germline.